The following is an entry in ClinVar:

ClinVar aggregate classification (germline): Uncertain significance. Review status: criteria provided, multiple submitters, no conflicts (2 of 4 stars). 2 submissions from 2 submitters: Uncertain significance (2). Last evaluated 2025-05-20.

Conditions:
Inborn genetic diseases. Identifiers: MedGen C0950123, MeSH D030342.

Allele frequency attached by ClinVar (database versions not stated): TOPMed 0.00001; ExAC 0.00002; ESP Exome Variant Server 0.00008.
gnomAD v4.1: 21 of 1,613,938 alleles (0.0013%); highest among the groups gnomAD compares: Non-Finnish European, 0.0018%; no homozygotes.

Submissions (2):

Ambry Genetics
Classification: Uncertain significance for Inborn genetic diseases. Last evaluated: 2025-05-20. Review status: criteria provided, single submitter. Criteria: Ambry Variant Classification Scheme 2023. Collection method: clinical testing. Allele origin: germline.

Labcorp Genetics (formerly Invitae), Labcorp
Classification: Uncertain significance. Last evaluated: 2022-05-17. Review status: criteria provided, single submitter. Criteria: Invitae Variant Classification Sherloc (09022015). Collection method: clinical testing. Allele origin: germline.
Comment: This sequence change replaces aspartic acid, which is acidic and polar, with alanine, which is neutral and non-polar, at codon 844 of the HPS5 protein (p.Asp844Ala). This variant is present in population databases (rs373182503, gnomAD 0.003%). This variant has not been reported in the literature in individuals affected with HPS5-related conditions. Algorithms developed to predict the effect of missense changes on protein structure and function are either unavailable or do not agree on the potential impact of this missense change (SIFT: "Tolerated"; PolyPhen-2: "Possibly Damaging"; Align-GVGD: "Class C0"). In summary, the available evidence is currently insufficient to determine the role of this variant in disease. Therefore, it has been classified as a Variant of Uncertain Significance.

NM_181507.2(HPS5):c.2531A>C (p.Asp844Ala)

Gene: HPS5 (HPS5 biogenesis of lysosomal organelles complex 2 subunit 2; minus strand). Cytogenetic location: 11p15.1.
Variant type: single nucleotide variant.
Coding change: c.2531A>C on transcript NM_181507.2 (MANE Select); coding-DNA position 2531, A replaced by C.
Protein change: p.Asp844Ala; replaces aspartic acid 844 with alanine.
Molecular consequence: missense variant.
Genome position (GRCh38, 1-based): chr11:18,287,923, T>G on the plus strand (A>C on the coding strand, the complement: HPS5 is on the minus strand). VCF-style: chr11-18287923-T-G. GRCh37 (hg19) VCF-style: chr11-18309470-T-G.
Other names: c.2189A>C, p.Asp730Ala (NM_007216.4, NM_181508.2); short protein forms D730A, D844A.
Identifiers: ClinVar variation 1932932 (VCV001932932.3), dbSNP rs373182503, ClinGen allele CA5909834.